The following is an entry in ClinVar:

ClinVar aggregate classification (germline): Pathogenic (0 of 4 stars; one submission).

Conditions:
Fanconi anemia complementation group A (FANCA). Also called: Fanconi anemia, group A; FANCA-Related Fanconi Anemia. Identifiers: Orphanet 84, MedGen C3469521, MONDO:0009215, OMIM 227650.

Submission:

Leiden Open Variation Database
Classification: Pathogenic for Fanconi anemia complementation group A. Last evaluated: 2020-02-28. Review status: no assertion criteria provided. Collection method: curation. Allele origin: germline. Affected: yes.
Comment: Curator: Arleen D. Auerbach. Submitter to LOVD: Arleen D. Auerbach.

NM_000135.4(FANCA):c.1007-1del

Gene: FANCA (FA complementation group A; minus strand). Cytogenetic location: 16q24.3.
Variant type: Deletion.
Coding change: c.1007-1del on transcript NM_000135.4 (MANE Select); the canonical splice acceptor site of the intron before coding-DNA position 1007, one base deleted (G; older notation c.1007-1delG).
Molecular consequence: splice acceptor variant.
Genome position (GRCh38, 1-based): chr16:89,792,548, C deleted on the plus strand (G on the coding strand, the reverse complement: FANCA is on the minus strand). VCF-style (leftmost placement, unchanged base first): chr16-89792547-GC-G. GRCh37 (hg19) VCF-style: chr16-89858955-GC-G.
Other names: c.1007-1del (NM_001286167.3).
Identifiers: ClinVar variation 974306 (VCV000974306.1), dbSNP rs2040110823, ClinGen allele CA1139664967.